The following is an entry in ClinVar:

ClinVar aggregate classification (germline): Uncertain significance. Review status: criteria provided, multiple submitters, no conflicts (2 of 4 stars). 2 submissions from 2 submitters: Uncertain significance (2). Last evaluated 2024-03-14.

Conditions:
Dilated cardiomyopathy 1JJ (CMD1JJ). Identifiers: Orphanet 154, MedGen C3808935, MONDO:0014095, OMIM 615235.
Cardiovascular phenotype. Identifiers: MedGen CN230736.

Allele frequency attached by ClinVar (database versions not stated): gnomAD 0.00001 and 0.00002; 1000 Genomes Project 30x 0.00016; gnomAD exomes 0.00002; 1000 Genomes Project 0.00020; TOPMed 0.00005; ExAC 0.00004.

Submissions (2):

Labcorp Genetics (formerly Invitae), Labcorp
Classification: Uncertain significance for Dilated cardiomyopathy 1JJ. Last evaluated: 2024-03-14. Review status: criteria provided, single submitter. Criteria: Invitae Variant Classification Sherloc (09022015). Collection method: clinical testing. Allele origin: germline.
Comment: This sequence change replaces asparagine, which is neutral and polar, with histidine, which is basic and polar, at codon 1617 of the LAMA4 protein (p.Asn1617His). This variant is present in population databases (rs587693487, gnomAD 0.03%). This variant has not been reported in the literature in individuals affected with LAMA4-related conditions. ClinVar contains an entry for this variant (Variation ID: 406148). An algorithm developed to predict the effect of missense changes on protein structure and function (PolyPhen-2) suggests that this variant is likely to be disruptive. In summary, the available evidence is currently insufficient to determine the role of this variant in disease. Therefore, it has been classified as a Variant of Uncertain Significance.

Ambry Genetics
Classification: Uncertain significance for Cardiovascular phenotype. Last evaluated: 2023-12-18. Review status: criteria provided, single submitter. Criteria: Ambry Variant Classification Scheme 2023. Collection method: clinical testing. Allele origin: germline.
Comment: The p.N1617H variant (also known as c.4849A>C), located in coding exon 34 of the LAMA4 gene, results from an A to C substitution at nucleotide position 4849. The asparagine at codon 1617 is replaced by histidine, an amino acid with similar properties. This amino acid position is well conserved in available vertebrate species. In addition, the in silico prediction for this alteration is inconclusive. The evidence for this gene-disease relationship is limited; therefore, the clinical significance of this alteration is unclear.

NM_001105206.3(LAMA4):c.4870A>C (p.Asn1624His)

Gene: LAMA4 (laminin subunit alpha 4; minus strand). Cytogenetic location: 6q21.
Variant type: single nucleotide variant.
Coding change: c.4870A>C on transcript NM_001105206.3 (MANE Select); coding-DNA position 4870, A replaced by C.
Protein change: p.Asn1624His; replaces asparagine 1624 with histidine.
Molecular consequence: missense variant.
Genome position (GRCh38, 1-based): chr6:112,117,850, T>G on the plus strand (A>C on the coding strand, the complement: LAMA4 is on the minus strand). VCF-style: chr6-112117850-T-G. GRCh37 (hg19) VCF-style: chr6-112439053-T-G.
Other names: c.4849A>C, p.Asn1617His (NM_001105207.3, NM_002290.5); c.4849A>C (NM_002290.3); short protein forms N1617H, N1624H.
Identifiers: ClinVar variation 406148 (VCV000406148.10), dbSNP rs587693487, ClinGen allele CA3964878.